The following is an entry in ClinVar:

ClinVar aggregate classification (germline): Uncertain significance. Review status: criteria provided, multiple submitters, no conflicts (2 of 4 stars). 2 submissions from 2 submitters: Uncertain significance (2). Last evaluated 2024-12-28.

Allele frequency attached by ClinVar (database versions not stated): gnomAD 0.00002; ESP Exome Variant Server 0.00008; TOPMed below 0.00001; ExAC 0.00001.
gnomAD v4.1: 12 of 1,613,920 alleles (0.00074%); highest among the groups gnomAD compares: Non-Finnish European, 0.00093%; no homozygotes.

Submissions (2):

Ambry Genetics
Classification: Uncertain significance. Last evaluated: 2024-12-28. Review status: criteria provided, single submitter. Criteria: Ambry Variant Classification Scheme 2023. Collection method: clinical testing. Allele origin: germline.

Labcorp Genetics (formerly Invitae), Labcorp
Classification: Uncertain significance. Last evaluated: 2023-11-19. Review status: criteria provided, single submitter. Criteria: Invitae Variant Classification Sherloc (09022015). Collection method: clinical testing. Allele origin: germline.
Comment: This sequence change replaces phenylalanine, which is neutral and non-polar, with leucine, which is neutral and non-polar, at codon 560 of the ADGRA3 protein (p.Phe560Leu). This variant is present in population databases (rs143510925, gnomAD 0.002%). This variant has not been reported in the literature in individuals affected with ADGRA3-related conditions. An algorithm developed to predict the effect of missense changes on protein structure and function (PolyPhen-2) suggests that this variant is likely to be tolerated. In summary, the available evidence is currently insufficient to determine the role of this variant in disease. Therefore, it has been classified as a Variant of Uncertain Significance.

NM_145290.4(ADGRA3):c.1680C>G (p.Phe560Leu)

Gene: ADGRA3 (adhesion G protein-coupled receptor A3; minus strand). Cytogenetic location: 4p15.2.
Variant type: single nucleotide variant.
Coding change: c.1680C>G on transcript NM_145290.4 (MANE Select); coding-DNA position 1680, C replaced by G.
Protein change: p.Phe560Leu; replaces phenylalanine 560 with leucine.
Molecular consequence: missense variant.
Genome position (GRCh38, 1-based): chr4:22,421,015, G>C on the plus strand (C>G on the coding strand, the complement: ADGRA3 is on the minus strand). VCF-style: chr4-22421015-G-C. GRCh37 (hg19) VCF-style: chr4-22422638-G-C.
Other names: c.1680C>G (NM_145290.2); short protein forms F560L.
Identifiers: ClinVar variation 2956606 (VCV002956606.4), dbSNP rs143510925, ClinGen allele CA2873873.
Genomic context (GRCh38, chr4:22,421,015, plus strand): 5'-CTCTGGATCCCGCCTCCCATAATCCGAAAGTCCTGTACGATCAGAGGCTGCCACTTTCTG[G>C]AACACGGTACAGGTCATCCCCGTGAAGCCAGTAGACTTGATGACATAAGCTTCCAGAGCA-3'
Protein context (NP_660333.2, residues 550-570): TGFTGMTCTV[Phe560Leu]QKVAASDRTG